The following is an entry in ClinVar:

ClinVar aggregate classification (germline): Uncertain significance (1 of 4 stars; one submission).

gnomAD v4.1: 6 of 1,594,044 alleles (0.00038%); highest among the groups gnomAD compares: Non-Finnish European, 0.00051%; no homozygotes.

Submission:

GeneDx
Classification: Uncertain significance. Last evaluated: 2023-03-02. Review status: criteria provided, single submitter. Criteria: GeneDx Variant Classification Process June 2021. Collection method: clinical testing. Allele origin: germline. Affected: yes.
Comment: Not observed at significant frequency in large population cohorts (gnomAD); In silico analysis supports that this missense variant does not alter protein structure/function; Has not been previously published as pathogenic or benign to our knowledge

NM_032119.4(ADGRV1):c.9904G>C (p.Glu3302Gln)

Gene: ADGRV1 (adhesion G protein-coupled receptor V1; plus strand). Cytogenetic location: 5q14.3.
Variant type: single nucleotide variant.
Coding change: c.9904G>C on transcript NM_032119.4 (MANE Select); coding-DNA position 9904, G replaced by C.
Protein change: p.Glu3302Gln; replaces glutamic acid 3302 with glutamine.
Molecular consequence: missense variant. On other transcripts: non-coding transcript variant (1).
Genome position (GRCh38, 1-based): chr5:90,724,987, G>C. VCF-style: chr5-90724987-G-C. GRCh37 (hg19) VCF-style: chr5-90020804-G-C.
Other names: short protein forms E3302Q.
Identifiers: ClinVar variation 2578150 (VCV002578150.1), dbSNP rs2531323398, ClinGen allele CA360402783.